The following is an entry in ClinVar:

ClinVar aggregate classification (germline): Uncertain significance (1 of 4 stars; one submission).

Allele frequency attached by ClinVar (database versions not stated): TOPMed below 0.00001; ExAC 0.00001; gnomAD 0.00001; gnomAD exomes 0.00001 and 0.00002.
gnomAD v4.1: 5 of 1,610,372 alleles (0.00031%); highest among the groups gnomAD compares: Admixed American, 0.0068%; no homozygotes.

Submission:

Labcorp Genetics (formerly Invitae), Labcorp
Classification: Uncertain significance. Last evaluated: 2022-08-16. Review status: criteria provided, single submitter. Criteria: Invitae Variant Classification Sherloc (09022015). Collection method: clinical testing. Allele origin: germline.
Comment: This sequence change replaces leucine, which is neutral and non-polar, with phenylalanine, which is neutral and non-polar, at codon 53 of the BMP1 protein (p.Leu53Phe). This variant is present in population databases (rs202096263, gnomAD 0.006%). This variant has not been reported in the literature in individuals affected with BMP1-related conditions. ClinVar contains an entry for this variant (Variation ID: 1442457). Algorithms developed to predict the effect of missense changes on protein structure and function are either unavailable or do not agree on the potential impact of this missense change (SIFT: "Deleterious"; PolyPhen-2: "Benign"; Align-GVGD: "Class C15"). In summary, the available evidence is currently insufficient to determine the role of this variant in disease. Therefore, it has been classified as a Variant of Uncertain Significance.

NM_006129.5(BMP1):c.157C>T (p.Leu53Phe)

Gene: BMP1 (bone morphogenetic protein 1; plus strand). Cytogenetic location: 8p21.3.
Variant type: single nucleotide variant.
Coding change: c.157C>T on transcript NM_006129.5 (MANE Select); coding-DNA position 157, C replaced by T.
Protein change: p.Leu53Phe; replaces leucine 53 with phenylalanine.
Molecular consequence: missense variant. On other transcripts: non-coding transcript variant (2).
Genome position (GRCh38, 1-based): chr8:22,173,610, C>T. VCF-style: chr8-22173610-C-T. GRCh37 (hg19) VCF-style: chr8-22031123-C-T.
Other names: c.157C>T, p.Leu53Phe (NM_001199.4); short protein forms L53F.
Identifiers: ClinVar variation 1442457 (VCV001442457.5), dbSNP rs202096263, ClinGen allele CA4664180.